The following is an entry in ClinVar:

NM_001369369.1(FOXN1):c.667A>C (p.Met223Leu)

Gene: FOXN1 (forkhead box N1; plus strand). Cytogenetic location: 17q11.2.
Variant type: single nucleotide variant.
Coding change: c.667A>C on transcript NM_001369369.1 (MANE Select); coding-DNA position 667, A replaced by C.
Protein change: p.Met223Leu; replaces methionine 223 with leucine.
Molecular consequence: missense variant.
Genome position (GRCh38, 1-based): chr17:28,527,329, A>C. VCF-style: chr17-28527329-A-C. GRCh37 (hg19) VCF-style: chr17-26854347-A-C.
Other names: c.667A>C, p.Met223Leu (NM_003593.3); short protein forms M223L.
Identifiers: ClinVar variation 1426147 (VCV001426147.8), dbSNP rs2069794178, ClinGen allele CA398322407.
Genomic context (GRCh38, chr17:28,527,329, plus strand): 5'-AAGCCCCCAGTTCTGGAGAGTGGTGCTGGGATGTTCTGCTACCAGCCTCCCTTGCAGCAT[A>C]TGTACTGCTCCTCCCAGCCCCCCTTCCACCAGGTGGGTCTGGGGCAAGTGGGCCTGCTTC-3'
Protein context (NP_001356298.1, residues 213-233): MFCYQPPLQH[Met223Leu]YCSSQPPFHQ

ClinVar aggregate classification (germline): Uncertain significance (1 of 4 stars; one submission).

Conditions:
T-cell immunodeficiency, congenital alopecia, and nail dystrophy. Also called: Congenital alopecia and nail dystrophy associated with severe functional T-cell immunodeficiency; Pignata Guarino syndrome. Identifiers: Orphanet 169095, MedGen C1866426, MONDO:0011132, OMIM 601705.

Allele frequency attached by ClinVar (database versions not stated): TOPMed 0.00002.

Submission:

Labcorp Genetics (formerly Invitae), Labcorp
Classification: Uncertain significance for T-cell immunodeficiency, congenital alopecia, and nail dystrophy. Last evaluated: 2021-07-02. Review status: criteria provided, single submitter. Criteria: Invitae Variant Classification Sherloc (09022015). Collection method: clinical testing. Allele origin: germline.
Comment: This sequence change replaces methionine with leucine at codon 223 of the FOXN1 protein (p.Met223Leu). The methionine residue is moderately conserved and there is a small physicochemical difference between methionine and leucine. This variant is not present in population databases (ExAC no frequency). This variant has not been reported in the literature in individuals with FOXN1-related conditions. Algorithms developed to predict the effect of missense changes on protein structure and function (SIFT, PolyPhen-2, Align-GVGD) all suggest that this variant is likely to be tolerated, but these predictions have not been confirmed by published functional studies and their clinical significance is uncertain. In summary, the available evidence is currently insufficient to determine the role of this variant in disease. Therefore, it has been classified as a Variant of Uncertain Significance.